The following is an entry in ClinVar:

ClinVar aggregate classification (germline): Uncertain significance (1 of 4 stars; one submission).

Conditions:
Reticular dysgenesis. Also called: ALEUKOCYTOSIS; CONGENITAL ALEUKIA; HEMATOPOIETIC HYPOPLASIA, GENERALIZED; RETICULAR DYSGENESIA; SEVERE COMBINED IMMUNODEFICIENCY WITH LEUKOPENIA; DeVaal disease. Identifiers: Orphanet 33355, MedGen C0272167, MONDO:0009973, OMIM 267500.

Submission:

Labcorp Genetics (formerly Invitae), Labcorp
Classification: Uncertain significance for Reticular dysgenesis. Last evaluated: 2023-05-29. Review status: criteria provided, single submitter. Criteria: Invitae Variant Classification Sherloc (09022015). Collection method: clinical testing. Allele origin: germline.
Comment: In summary, the available evidence is currently insufficient to determine the role of this variant in disease. Therefore, it has been classified as a Variant of Uncertain Significance. An algorithm developed to predict the effect of missense changes on protein structure and function (PolyPhen-2) suggests that this variant is likely to be disruptive. This variant has not been reported in the literature in individuals affected with AK2-related conditions. This variant is not present in population databases (gnomAD no frequency). This sequence change replaces proline, which is neutral and non-polar, with histidine, which is basic and polar, at codon 33 of the AK2 protein (p.Pro33His).

NM_001625.4(AK2):c.98C>A (p.Pro33His)

Gene: AK2 (adenylate kinase 2; minus strand). Cytogenetic location: 1p35.1.
Variant type: single nucleotide variant.
Coding change: c.98C>A on transcript NM_001625.4 (MANE Select); coding-DNA position 98, C replaced by A.
Protein change: p.Pro33His; replaces proline 33 with histidine.
Molecular consequence: missense variant. On other transcripts: 5 prime UTR variant (2), non-coding transcript variant (1), intron variant (1).
Genome position (GRCh38, 1-based): chr1:33,024,563, G>T on the plus strand (C>A on the coding strand, the complement: AK2 is on the minus strand). VCF-style: chr1-33024563-G-T. GRCh37 (hg19) VCF-style: chr1-33490164-G-T.
Other names: c.98C>A, p.Pro33His (NM_001199199.3, NM_001319141.3, NM_001319143.2 and 1 more transcripts); c.-47C>A (NM_001319139.3, NM_001319140.2); c.94-2860C>A (NM_001319142.3); short protein forms P33H.
Identifiers: ClinVar variation 2747099 (VCV002747099.3), dbSNP rs1430086126, ClinGen allele CA339703210.
Genomic context (GRCh38, chr1:33,024,563, plus strand): 5'-ATGGCCCTCAGCATGTCCCCAGTAGCTAAATGGCAGACACAGAAGTTTTCAGCCAATCTG[G>T]GTGCCTACAGAGAGGAAGACAAAAACCAAGATTCAATTACATTACAGGCTGTGGAGTCAG-3'
Protein context (NP_001616.1, residues 23-43): PPGAGKGTQA[Pro33His]RLAENFCVCH